The following is an entry in ClinVar:

ClinVar aggregate classification (germline): Uncertain significance (1 of 4 stars; one submission).

Allele frequency attached by ClinVar (database versions not stated): gnomAD exomes below 0.00001; TOPMed below 0.00001; gnomAD 0.00001.
gnomAD v4.1: 3 of 1,611,986 alleles (0.00019%); highest among the groups gnomAD compares: Non-Finnish European, 0.00025%; no homozygotes.

Submission:

Labcorp Genetics (formerly Invitae), Labcorp
Classification: Uncertain significance. Last evaluated: 2025-03-25. Review status: criteria provided, single submitter. Criteria: Invitae Variant Classification Sherloc (09022015). Collection method: clinical testing. Allele origin: germline.
Comment: This sequence change replaces isoleucine, which is neutral and non-polar, with asparagine, which is neutral and polar, at codon 3128 of the USH2A protein (p.Ile3128Asn). This variant is not present in population databases (gnomAD no frequency). This missense change has been observed in individuals with clinical features of retinitis pigmentosa (internal data). ClinVar contains an entry for this variant (Variation ID: 1023782). Invitae Evidence Modeling of protein sequence and biophysical properties (such as structural, functional, and spatial information, amino acid conservation, physicochemical variation, residue mobility, and thermodynamic stability) has been performed for this missense variant. However, the output from this modeling did not meet the statistical confidence thresholds required to predict the impact of this variant on USH2A protein function. In summary, the available evidence is currently insufficient to determine the role of this variant in disease. Therefore, it has been classified as a Variant of Uncertain Significance.

NM_206933.4(USH2A):c.9383T>A (p.Ile3128Asn)

Gene: USH2A (usherin; minus strand). Cytogenetic location: 1q41.
Variant type: single nucleotide variant.
Coding change: c.9383T>A on transcript NM_206933.4 (MANE Select); coding-DNA position 9383, T replaced by A.
Protein change: p.Ile3128Asn; replaces isoleucine 3128 with asparagine.
Molecular consequence: missense variant.
Genome position (GRCh38, 1-based): chr1:215,817,184, A>T on the plus strand (T>A on the coding strand, the complement: USH2A is on the minus strand). VCF-style: chr1-215817184-A-T. GRCh37 (hg19) VCF-style: chr1-215990526-A-T.
Other names: short protein forms I3128N.
Identifiers: ClinVar variation 1023782 (VCV001023782.10), dbSNP rs1486433456, ClinGen allele CA344825449.